The following is an entry in ClinVar:

ClinVar aggregate classification (germline): Likely pathogenic (0 of 4 stars; one submission).

Conditions:
Congenital secretory diarrhea, chloride type (DIAR1). Also called: DIARRHEA 1, SECRETORY CHLORIDE, CONGENITAL; CHLORIDORRHEA, CONGENITAL; CHLORIDE DIARRHEA, CONGENITAL, FINNISH TYPE. Identifiers: Orphanet 53689, MedGen C0267662, MONDO:0008964, OMIM 214700.

Submission:

Juha Muilu Group; Institute for Molecular Medicine Finland (FIMM)
Classification: Likely pathogenic for Congenital secretory diarrhea, chloride type. Review status: no assertion criteria provided. Collection method: not provided. Allele origin: unknown.
Comment: FinDis database variant: This variant was not found or characterized by our laboratory, data were collected from public sources: see reference
ClinVar note: Converted during submission from probable-pathogenic to Likely pathogenic.

NM_000111.3(SLC26A3):c.1526_1527del (p.Ser509fs)

Gene: SLC26A3 (solute carrier family 26 member 3; minus strand). Cytogenetic location: 7q22.3.
Variant type: Deletion.
Coding change: c.1526_1527del on transcript NM_000111.3 (MANE Select); coding-DNA positions 1526 to 1527, 2 bases deleted (GC; older notation c.1526_1527delGC).
Protein change: p.Ser509fs; shifts the reading frame from serine 509.
Molecular consequence: frameshift variant.
Genome position (GRCh38, 1-based): chr7:107,776,694-107,776,695, GC deleted on the plus strand (GC on the coding strand, the reverse complement: SLC26A3 is on the minus strand). VCF-style (leftmost placement, unchanged base first): chr7-107776693-TGC-T. GRCh37 (hg19) VCF-style: chr7-107417138-TGC-T.
Other names: c.1526_1527delGC (NM_000111.2); short protein forms S509fs.
Identifiers: ClinVar variation 55978 (VCV000055978.2), dbSNP rs386833460, ClinGen allele CA144063.
Genomic context (GRCh38, chr7:107,776,693, plus strand): 5'-TTACATCATAATAATCTTTTTTATTCTTATAGATGTTGGTTCTTCCAATATTAGCCAGCG[TGC>T]TGCATTTTGGACTGTAGGGAGAAAAACACCAAGTAAATCATTCATGTATGTTTGTTAAGC-3'